The following is an entry in ClinVar:

NM_024678.6(NARS2):c.1137G>T (p.Arg379Ser)

Genes: NARS2 (asparaginyl-tRNA synthetase 2, mitochondrial; minus strand), LOC130006506 (ATAC-STARR-seq lymphoblastoid active region 5325; plus strand). Cytogenetic location: 11q14.1.
Variant type: single nucleotide variant.
Coding change: c.1137G>T on transcript NM_024678.6 (MANE Select); coding-DNA position 1137, G replaced by T.
Protein change: p.Arg379Ser; replaces arginine 379 with serine.
Molecular consequence: missense variant. On other transcripts: non-coding transcript variant (4), intron variant (2).
Genome position (GRCh38, 1-based): chr11:78,465,903, C>A on the plus strand (G>T on the coding strand, the complement: NARS2 is on the minus strand). VCF-style: chr11-78465903-C-A. GRCh37 (hg19) VCF-style: chr11-78176949-C-A.
Other names: c.456G>T, p.Arg152Ser (NM_001243251.2, NM_001425312.1, NM_001425313.1 and 1 more transcripts); c.1260G>T, p.Arg420Ser (NM_001425299.1); c.1137G>T, p.Arg379Ser (NM_001425300.1, NM_001425305.1); c.1065G>T, p.Arg355Ser (NM_001425301.1); c.1056G>T, p.Arg352Ser (NM_001425302.1, NM_001425303.1); c.909G>T, p.Arg303Ser (NM_001425307.1); c.906G>T, p.Arg302Ser (NM_001425308.1); c.867G>T, p.Arg289Ser (NM_001425309.1); and 4 more; short protein forms R152S, R162S, R193S, R289S, R302S, R303S, R352S, R355S.
Identifiers: ClinVar variation 3368313 (VCV003368313.1).
Genomic context (GRCh38, chr11:78,465,903, plus strand): 5'-ACTAACCCCAATTTATTTAGTATCTCTTCTTACCGTGTGCTGAGGGCCATCTTCATTATC[C>A]CTCATGTAGAAAGGCTTGAGTGTTAATGGATAATTAATAACGAAGACAGGTATGTTGCCA-3'
Protein context (NP_078954.4, residues 369-389): YPLTLKPFYM[Arg379Ser]DNEDGPQHTV

ClinVar aggregate classification (germline): Uncertain significance (1 of 4 stars; one submission).

Submission:

GeneDx
Classification: Uncertain significance. Last evaluated: 2024-01-23. Review status: criteria provided, single submitter. Criteria: GeneDx Variant Classification Process June 2021. Collection method: clinical testing. Allele origin: germline. Affected: yes.
Comment: Not observed at significant frequency in large population cohorts (gnomAD); In silico analysis supports that this missense variant has a deleterious effect on protein structure/function; Has not been previously published as pathogenic or benign to our knowledge